The following is an entry in ClinVar:

NM_000231.3(SGCG):c.810G>A (p.Gly270=)

Gene: SGCG (sarcoglycan gamma; plus strand). Cytogenetic location: 13q12.12.
Variant type: single nucleotide variant.
Coding change: c.810G>A on transcript NM_000231.3 (MANE Select); coding-DNA position 810, G replaced by A.
Protein change: p.Gly270=; no amino-acid change (glycine 270 retained).
Molecular consequence: synonymous variant.
Genome position (GRCh38, 1-based): chr13:23,324,475, G>A. VCF-style: chr13-23324475-G-A. GRCh37 (hg19) VCF-style: chr13-23898614-G-A.
Other names: c.864G>A, p.Gly288= (NM_001378244.1); c.810G>A, p.Gly270= (NM_001378245.1, NM_001378246.1).
Identifiers: ClinVar variation 4682330 (VCV004682330.1).
Genomic context (GRCh38, chr13:23,324,475, plus strand): 5'-GACGTGGGGTCCCTCTGGCAGCTCACAGAGCCTCTACGAAATCTGTGTGTGTCCAGATGG[G>A]AAGCTGTACCTGTCTGTGGCCGGTGTGAGCACCACGTGCCAGGAGCACAACCACATCTGC-3'
Protein context (NP_000222.2, residues 260-280): SLYEICVCPD[Gly270=]KLYLSVAGVS

ClinVar aggregate classification (germline): Uncertain significance (1 of 4 stars; one submission).

Submission:

Athena Diagnostics
Classification: Uncertain significance. Last evaluated: 2025-10-10. Review status: criteria provided, single submitter. Criteria: Athena Diagnostics Criteria. Collection method: clinical testing. Allele origin: unknown.
Comment: Available data are insufficient to determine the clinical significance of the variant at this time. This variant has not been reported in large, multi-ethnic general populations. Computational tools yielded predictions that this variant is unlikely to have an effect on normal RNA splicing.